The following is an entry in ClinVar:

ClinVar aggregate classification (germline): Uncertain significance (1 of 4 stars; one submission).

Conditions:
Hereditary hemochromatosis (HFE). Identifiers: MedGen C0392514, MONDO:0006507. Disease mechanism: loss of function.

Submission:

Labcorp Genetics (formerly Invitae), Labcorp
Classification: Uncertain significance for Hereditary hemochromatosis. Last evaluated: 2023-04-10. Review status: criteria provided, single submitter. Criteria: Invitae Variant Classification Sherloc (09022015). Collection method: clinical testing. Allele origin: germline.
Comment: This variant is not present in population databases (gnomAD no frequency). This sequence change replaces cysteine, which is neutral and slightly polar, with arginine, which is basic and polar, at codon 70 of the HAMP protein (p.Cys70Arg). This missense change has been observed in individuals with hereditary hemochromatosis (PMID: 14630809, 15024747). ClinVar contains an entry for this variant (Variation ID: 947112). An algorithm developed to predict the effect of missense changes on protein structure and function (PolyPhen-2) suggests that this variant is likely to be disruptive. In summary, the available evidence is currently insufficient to determine the role of this variant in disease. Therefore, it has been classified as a Variant of Uncertain Significance.

Literature cited by the submitters: PubMed 14630809; PubMed 15024747.

NM_021175.4(HAMP):c.208T>C (p.Cys70Arg)

Gene: HAMP (hepcidin antimicrobial peptide; plus strand). Cytogenetic location: 19q13.12.
Variant type: single nucleotide variant.
Coding change: c.208T>C on transcript NM_021175.4 (MANE Select); coding-DNA position 208, T replaced by C.
Protein change: p.Cys70Arg; replaces cysteine 70 with arginine.
Molecular consequence: missense variant.
Genome position (GRCh38, 1-based): chr19:35,284,995, T>C. VCF-style: chr19-35284995-T-C. GRCh37 (hg19) VCF-style: chr19-35775898-T-C.
Other names: short protein forms C70R.
Identifiers: ClinVar variation 947112 (VCV000947112.9), dbSNP rs1374259518, ClinGen allele CA405301498.
Genomic context (GRCh38, chr19:35,284,995, plus strand): 5'-CAGCCCATGTTCCAGAGGCGAAGGAGGCGAGACACCCACTTCCCCATCTGCATTTTCTGC[T>C]GCGGCTGCTGTCATCGATCAAAGTGTGGGATGTGCTGCAAGACGTAGAACCTACCTGCCC-3'
Protein context (NP_066998.1, residues 60-80): DTHFPICIFC[Cys70Arg]GCCHRSKCGM